The following is an entry in ClinVar:

ClinVar aggregate classification (germline): Pathogenic (1 of 4 stars; one submission).

Conditions:
Hereditary cancer-predisposing syndrome. Also called: Hereditary Cancer Syndrome; Hereditary neoplastic syndrome; Neoplastic Syndromes, Hereditary; Tumor predisposition. Identifiers: Orphanet 140162, MedGen C0027672, MeSH D009386, MONDO:0015356.

Submission:

Ambry Genetics
Classification: Pathogenic for Hereditary cancer-predisposing syndrome. Last evaluated: 2020-03-24. Review status: criteria provided, single submitter. Criteria: Ambry Variant Classification Scheme 2023. Collection method: clinical testing. Allele origin: germline.
Comment: The c.1173dupT pathogenic mutation, located in coding exon 12 of the FANCC gene, results from a duplication of T at nucleotide position 1173, causing a translational frameshift with a predicted alternate stop codon (p.E392*). This alteration is expected to result in loss of function by premature protein truncation or nonsense-mediated mRNA decay. As such, this alteration is interpreted as a disease-causing mutation.

NM_000136.3(FANCC):c.1173dup (p.Glu392Ter)

Genes: AOPEP (aminopeptidase O (putative); plus strand), FANCC (FA complementation group C; minus strand). Cytogenetic location: 9q22.32.
Variant type: Duplication.
Coding change: c.1173dup on transcript NM_000136.3 (MANE Select); coding-DNA position 1173, one base duplicated (T; older notation c.1173dupT).
Protein change: p.Glu392Ter; replaces glutamic acid 392 with a stop codon.
Molecular consequence: nonsense. On other transcripts: frameshift variant (1).
Genome position (GRCh38, 1-based): chr9:95,111,619, A duplicated on the plus strand (T on the coding strand, the reverse complement: FANCC is on the minus strand); the first of 3 consecutive A bases (chr9:95,111,619-95,111,621); duplicating any one gives the same sequence. VCF-style (leftmost placement, unchanged base first): chr9-95111618-C-CA. GRCh37 (hg19) VCF-style: chr9-97873900-C-CA.
Other names: c.1173dup, p.Glu392Ter (NM_001243743.2, NM_001243744.2); c.1173dupT (NM_000136.2); short protein forms E392*.
Identifiers: ClinVar variation 1740188 (VCV001740188.2), dbSNP rs2540888580, ClinGen allele CA2579388336.